The following is an entry in ClinVar:

NM_001267550.2(TTN):c.70579G>A (p.Val23527Ile)

Genes: TTN (titin; minus strand), TTN-AS1 (TTN antisense RNA 1; plus strand), LOC126806422 (BRD4-independent group 4 enhancer GRCh37_chr2:179440205-179441404; plus strand). Cytogenetic location: 2q31.2.
Variant type: single nucleotide variant.
Coding change: c.70579G>A on transcript NM_001267550.2 (MANE Select); coding-DNA position 70579, G replaced by A.
Protein change: p.Val23527Ile; replaces valine 23527 with isoleucine.
Molecular consequence: missense variant.
Genome position (GRCh38, 1-based): chr2:178,575,553, C>T on the plus strand (G>A on the coding strand, the complement: TTN is on the minus strand). VCF-style: chr2-178575553-C-T. GRCh37 (hg19) VCF-style: chr2-179440280-C-T.
Other names: c.65656G>A, p.Val21886Ile (NM_001256850.1); c.43384G>A, p.Val14462Ile (NM_003319.4); c.62875G>A, p.Val20959Ile (NM_133378.4); c.43759G>A, p.Val14587Ile (NM_133432.3); c.43960G>A, p.Val14654Ile (NM_133437.4); short protein forms V14462I, V23527I, V21886I, V14587I, V20959I, V14654I.
Identifiers: ClinVar variation 893228 (VCV000893228.6), dbSNP rs542004766, ClinGen allele CA1990761.

ClinVar aggregate classification (germline): Conflicting classifications of pathogenicity. Review status: criteria provided, conflicting classifications (1 of 4 stars). 7 submissions from 3 submitters: Uncertain significance (4); Benign (2); Likely benign (1). Last evaluated 2024-01-30.

Conditions:
Tibial muscular dystrophy (TMD). Also called: UDD MYOPATHY; Udd Distal Myopathy – Tibial Muscular Dystrophy; Tibial muscular dystrophy, tardive. Identifiers: Orphanet 609, MedGen C1838244, MONDO:0010870, OMIM 600334.
Early-onset myopathy with fatal cardiomyopathy (CMYO5). Also called: CONGENITAL MYOPATHY 5 WITH CARDIOMYOPATHY; Salih Myopathy. Identifiers: Orphanet 289377, MedGen C2673677, MONDO:0012714, OMIM 611705. Disease mechanism: loss of function.
Dilated cardiomyopathy 1G (CMD1G). Identifiers: Orphanet 154, MedGen C1858763, MONDO:0011400, OMIM 604145.
Myopathy, myofibrillar, 9, with early respiratory failure (MFM9). Also called: Hereditary myopathy with early respiratory failure; Myopathy, distal, with early respiratory failure, autosomal dominant; MYOPATHY, PROXIMAL, WITH EARLY RESPIRATORY MUSCLE INVOLVEMENT; EDSTROM MYOPATHY. Identifiers: Orphanet 178464, Orphanet 34521, MedGen C1863599, MONDO:0011362, OMIM 603689.
Autosomal recessive limb-girdle muscular dystrophy type 2J (LGMDR10). Also called: Limb-girdle muscular dystrophy, type 2J; MUSCULAR DYSTROPHY, LIMB-GIRDLE, AUTOSOMAL RECESSIVE 10. Identifiers: Orphanet 140922, MedGen C1837342, MONDO:0012127, OMIM 608807.

Allele frequency attached by ClinVar (database versions not stated): TOPMed 0.00004; ExAC 0.00009; 1000 Genomes Project 0.00020; 1000 Genomes Project 30x 0.00031.
gnomAD v4.1: 42 of 1,613,628 alleles (0.0026%); highest among the groups gnomAD compares: African/African-American, 0.0093%; no homozygotes.

Submissions (7):

Revvity Omics, Revvity
Classification: Uncertain significance. Last evaluated: 2024-01-30. Review status: criteria provided, single submitter. Criteria: ACMG Guidelines, 2015. Collection method: clinical testing. Allele origin: germline.

Blueprint Genetics
Classification: Likely benign. Last evaluated: 2022-07-19. Review status: criteria provided, single submitter. Criteria: ACMG Guidelines, 2015. Collection method: clinical testing. Allele origin: germline.

Illumina Laboratory Services, Illumina
Classification: Uncertain significance for Autosomal recessive limb-girdle muscular dystrophy type 2J. Last evaluated: 2018-01-12. Review status: criteria provided, single submitter. Criteria: ICSL Variant Classification Criteria 13 December 2019. Collection method: clinical testing. Allele origin: germline.

Illumina Laboratory Services, Illumina
Classification: Benign for Tibial muscular dystrophy. Last evaluated: 2018-01-12. Review status: criteria provided, single submitter. Criteria: ICSL Variant Classification Criteria 13 December 2019. Collection method: clinical testing. Allele origin: germline.
Comment: This variant was observed in the ICSL laboratory as part of a predisposition screen in an ostensibly healthy population. It had not been previously curated by ICSL or reported in the Human Gene Mutation Database (HGMD: prior to June 1st, 2018), and was therefore a candidate for classification through an automated scoring system. Utilizing variant allele frequency, disease prevalence and penetrance estimates, and inheritance mode, an automated score was calculated to assess if this variant is too frequent to cause the disease. Based on the score and internal cut-off values, a variant classified as benign is not then subjected to further curation. The score for this variant resulted in a classification of benign for this disease.

Illumina Laboratory Services, Illumina
Classification: Uncertain significance for Dilated cardiomyopathy 1G. Last evaluated: 2018-01-12. Review status: criteria provided, single submitter. Criteria: ICSL Variant Classification Criteria 13 December 2019. Collection method: clinical testing. Allele origin: germline.

Illumina Laboratory Services, Illumina
Classification: Benign for Myopathy, myofibrillar, 9, with early respiratory failure. Last evaluated: 2018-01-12. Review status: criteria provided, single submitter. Criteria: ICSL Variant Classification Criteria 13 December 2019. Collection method: clinical testing. Allele origin: germline.
Comment: the same text as in the submission from Illumina Laboratory Services, Illumina above.

Illumina Laboratory Services, Illumina
Classification: Uncertain significance for Early-onset myopathy with fatal cardiomyopathy. Last evaluated: 2018-01-12. Review status: criteria provided, single submitter. Criteria: ICSL Variant Classification Criteria 13 December 2019. Collection method: clinical testing. Allele origin: germline.